The following is an entry in ClinVar:

NM_021831.6(AGBL5):c.1264C>T (p.Pro422Ser)

Gene: AGBL5 (AGBL carboxypeptidase 5; plus strand). Cytogenetic location: 2p23.3.
Variant type: single nucleotide variant.
Coding change: c.1264C>T on transcript NM_021831.6 (MANE Select); coding-DNA position 1264, C replaced by T.
Protein change: p.Pro422Ser; replaces proline 422 with serine.
Molecular consequence: missense variant. On other transcripts: non-coding transcript variant (2).
Genome position (GRCh38, 1-based): chr2:27,056,037, C>T. VCF-style: chr2-27056037-C-T. GRCh37 (hg19) VCF-style: chr2-27278905-C-T.
Other names: c.1264C>T (NM_021831.5); c.1264C>T, p.Pro422Ser (NM_001035507.3); short protein forms P422S.
Identifiers: ClinVar variation 1439290 (VCV001439290.7), dbSNP rs187389989, ClinGen allele CA44464692.

ClinVar aggregate classification (germline): Uncertain significance. Review status: criteria provided, multiple submitters, no conflicts (2 of 4 stars). 3 submissions from 3 submitters: Uncertain significance (3). Last evaluated 2025-01-15.

Conditions:
Inborn genetic diseases. Identifiers: MedGen C0950123, MeSH D030342.

Submissions (3):

Ambry Genetics
Classification: Uncertain significance for Inborn genetic diseases. Last evaluated: 2025-01-15. Review status: criteria provided, single submitter. Criteria: Ambry Variant Classification Scheme 2023. Collection method: clinical testing. Allele origin: germline.

Blueprint Genetics
Classification: Uncertain significance. Last evaluated: 2023-09-01. Review status: criteria provided, single submitter. Criteria: ACMG Guidelines, 2015. Collection method: clinical testing. Allele origin: germline.

Labcorp Genetics (formerly Invitae), Labcorp
Classification: Uncertain significance. Last evaluated: 2021-08-31. Review status: criteria provided, single submitter. Criteria: Invitae Variant Classification Sherloc (09022015). Collection method: clinical testing. Allele origin: germline.
Comment: This sequence change replaces proline with serine at codon 422 of the AGBL5 protein (p.Pro422Ser). The proline residue is highly conserved and there is a moderate physicochemical difference between proline and serine. This variant is not present in population databases (ExAC no frequency). This variant has not been reported in the literature in individuals affected with AGBL5-related conditions. Algorithms developed to predict the effect of missense changes on protein structure and function (SIFT, PolyPhen-2, Align-GVGD) all suggest that this variant is likely to be tolerated. In summary, the available evidence is currently insufficient to determine the role of this variant in disease. Therefore, it has been classified as a Variant of Uncertain Significance.